The following is an entry in ClinVar:

NM_001370658.1(BTD):c.499C>T (p.Pro167Ser)

Gene: BTD (biotinidase; plus strand). Cytogenetic location: 3p25.1.
Variant type: single nucleotide variant.
Coding change: c.499C>T on transcript NM_001370658.1 (MANE Select); coding-DNA position 499, C replaced by T.
Protein change: p.Pro167Ser; replaces proline 167 with serine.
Molecular consequence: missense variant. On other transcripts: intron variant (1).
Genome position (GRCh38, 1-based): chr3:15,644,415, C>T. VCF-style: chr3-15644415-C-T. GRCh37 (hg19) VCF-style: chr3-15685922-C-T.
Other names: P187S; c.559C>T, p.Pro187Ser (NM_000060.4); c.499C>T, p.Pro167Ser (NM_001281723.4, NM_001281724.3, NM_001281725.3 and 18 more transcripts); c.399+2358C>T (NM_001370753.1); short protein forms P167S.
Identifiers: ClinVar variation 3339734 (VCV003339734.4), dbSNP rs397507173.
Genomic context (GRCh38, chr3:15,644,415, plus strand): 5'-ATGTTCTTGGTGGCCAATCTTGGGACAAAGGAGCCTTGTCATAGCAGTGACCCAAGGTGC[C>T]CAAAAGATGGGAGATACCAGTTCAACACAAATGTCGTGTTCAGCAATAATGGAACCCTTG-3'
Protein context (NP_001357587.1, residues 157-177): EPCHSSDPRC[Pro167Ser]KDGRYQFNTN

ClinVar aggregate classification (germline): Conflicting classifications of pathogenicity. Review status: criteria provided, conflicting classifications (1 of 4 stars). 3 submissions from 3 submitters: Likely pathogenic (2); Uncertain significance (1). Last evaluated 2024-11-07.

Conditions:
Biotinidase deficiency. Also called: BTD deficiency; Late-onset biotin-responsive multiple carboxylase deficiency; Biotin deficiency. Identifiers: Orphanet 79241, MedGen C0220754, MONDO:0009665, OMIM 253260.

Submissions (3):

Natera, Inc.
Classification: Likely pathogenic for Biotinidase deficiency. Last evaluated: 2024-11-07. Review status: criteria provided, single submitter. Criteria: Natera Variant Classification Schema (03/2026). Collection method: clinical testing. Allele origin: germline.
Comment: The c.499C>T variant in BTD is a missense variant predicted to cause substitution of proline to serine at amino acid 167. This variant is rare in the general population with a frequency below the threshold expected for the associated phenotype(s). This variant has been observed in one or more individuals affected with the associated recessive disease, as either homozygous or compound heterozygous with a second variant (PMID: 20083419). Functional studies show that this variant may disrupt protein function (PMID: 20083419). Computational prediction algorithms indicate this variant is likely to affect gene or protein function. Given the available evidence, this variant is classified as Likely Pathogenic.

Fulgent Genetics
Classification: Likely pathogenic for Biotinidase deficiency. Last evaluated: 2024-06-09. Review status: criteria provided, single submitter. Criteria: ACMG Guidelines, 2015. Collection method: clinical testing. Allele origin: germline.

Women's Health and Genetics/Laboratory Corporation of America, LabCorp
Classification: Uncertain significance. Last evaluated: 2024-06-05. Review status: criteria provided, single submitter. Criteria: LabCorp Variant Classification Summary - May 2015. Collection method: clinical testing. Allele origin: germline.
Comment: Variant summary: BTD c.499C>T (p.Pro167Ser) results in a non-conservative amino acid change in the encoded protein sequence. Four of five in-silico tools predict a damaging effect of the variant on protein function. The variant was absent in 251442 control chromosomes. c.499C>T has been reported in the literature in at least two individuals affected with Biotinidase Deficiency, including one homozygous individual and one compound heterozygous individual who had a total of three potentially causative BTD variants (e.g, Iqbal_2010; Yilmaz_2024). These data indicate that the variant may be associated with disease. To our knowledge, no experimental evidence demonstrating an impact on protein function has been reported. The following publications have been ascertained in the context of this evaluation (PMID: 20083419, 38141137). No submitters have cited clinical-significance assessments for this variant to ClinVar. Based on the evidence outlined above, the variant was classified as VUS-possibly pathogenic.

Literature cited by the submitters: PubMed 20083419 (cited by Natera, Inc. and Women's Health and Genetics/Laboratory Corporation of America, LabCorp); PubMed 38141137 (cited by Women's Health and Genetics/Laboratory Corporation of America, LabCorp).